The following is an entry in ClinVar:

NM_018359.5(UFSP2):c.963G>A (p.Glu321=)

Gene: UFSP2 (UFM1 specific peptidase 2; minus strand). Cytogenetic location: 4q35.1.
Variant type: single nucleotide variant.
Coding change: c.963G>A on transcript NM_018359.5 (MANE Select); coding-DNA position 963, G replaced by A.
Protein change: p.Glu321=; no amino-acid change (glutamic acid 321 retained).
Molecular consequence: synonymous variant. On other transcripts: non-coding transcript variant (2).
Genome position (GRCh38, 1-based): chr4:185,408,304, C>T on the plus strand (G>A on the coding strand, the complement: UFSP2 is on the minus strand). VCF-style: chr4-185408304-C-T. GRCh37 (hg19) VCF-style: chr4-186329458-C-T.
Identifiers: ClinVar variation 779237 (VCV000779237.13), dbSNP rs147970664, ClinGen allele CA3158471.

ClinVar aggregate classification (germline): Benign/Likely benign. Review status: criteria provided, multiple submitters, no conflicts (2 of 4 stars). 3 submissions from 3 submitters: Benign (2); Likely benign (1). Last evaluated 2026-09-01.

Allele frequency attached by ClinVar (database versions not stated): 1000 Genomes Project 0.00180; 1000 Genomes Project 30x 0.00187; TOPMed 0.00462; gnomAD 0.00496 and 0.00518; ESP Exome Variant Server 0.00507; gnomAD exomes 0.00557; ExAC 0.00634.
gnomAD v4.1: 11,714 of 1,614,138 alleles (0.73%); highest among the groups gnomAD compares: Non-Finnish European, 0.9%; 72 homozygotes.

Submissions (3):

CeGaT Center for Human Genetics Tuebingen
Classification: Likely benign. Last evaluated: 2026-09-01. Review status: criteria provided, single submitter. Criteria: CeGaT Center For Human Genetics Tuebingen Variant Classification Criteria Version 2. Collection method: clinical testing. Allele origin: germline. Affected: yes. Observed: 15 variant alleles.
Comment: UFSP2: BP4, BP7, BS2

Labcorp Genetics (formerly Invitae), Labcorp
Classification: Benign. Last evaluated: 2019-12-31. Review status: criteria provided, single submitter. Criteria: Invitae Variant Classification Sherloc (09022015). Collection method: clinical testing. Allele origin: germline.

Breakthrough Genomics
Classification: Benign. Review status: criteria provided, single submitter. Criteria: ACMG Guidelines, 2015. Collection method: not provided. Allele origin: germline. Inheritance: Autosomal recessive inheritance. Affected: yes.